The following is an entry in ClinVar:

ClinVar aggregate classification (germline): Uncertain significance (1 of 4 stars; one submission).

Allele frequency attached by ClinVar (database versions not stated): ExAC 0.00001; gnomAD exomes 0.00001.

Submission:

Labcorp Genetics (formerly Invitae), Labcorp
Classification: Uncertain significance. Last evaluated: 2022-10-24. Review status: criteria provided, single submitter. Criteria: Invitae Variant Classification Sherloc (09022015). Collection method: clinical testing. Allele origin: germline.
Comment: This sequence change replaces leucine, which is neutral and non-polar, with valine, which is neutral and non-polar, at codon 161 of the SLC7A14 protein (p.Leu161Val). This variant is present in population databases (rs763987374, gnomAD 0.003%). This variant has not been reported in the literature in individuals affected with SLC7A14-related conditions. ClinVar contains an entry for this variant (Variation ID: 1392149). Algorithms developed to predict the effect of missense changes on protein structure and function are either unavailable or do not agree on the potential impact of this missense change (SIFT: "Deleterious"; PolyPhen-2: "Probably Damaging"; Align-GVGD: "Class C0"). In summary, the available evidence is currently insufficient to determine the role of this variant in disease. Therefore, it has been classified as a Variant of Uncertain Significance.

NM_020949.3(SLC7A14):c.481C>G (p.Leu161Val)

Genes: SLC7A14 (solute carrier family 7 member 14; minus strand), SLC7A14-AS1 (SLC7A14 antisense RNA 1; plus strand). Cytogenetic location: 3q26.2.
Variant type: single nucleotide variant.
Coding change: c.481C>G on transcript NM_020949.3 (MANE Select); coding-DNA position 481, C replaced by G.
Protein change: p.Leu161Val; replaces leucine 161 with valine.
Molecular consequence: missense variant.
Genome position (GRCh38, 1-based): chr3:170,501,169, G>C on the plus strand (C>G on the coding strand, the complement: SLC7A14 is on the minus strand). VCF-style: chr3-170501169-G-C. GRCh37 (hg19) VCF-style: chr3-170218958-G-C.
Other names: short protein forms L161V.
Identifiers: ClinVar variation 1392149 (VCV001392149.6), dbSNP rs763987374, ClinGen allele CA2701925.